The following is an entry in ClinVar:

ClinVar aggregate classification (germline): Uncertain significance (1 of 4 stars; one submission).

Allele frequency attached by ClinVar (database versions not stated): gnomAD exomes below 0.00001 and 0.00001; gnomAD 0.00001; TOPMed 0.00001; ExAC 0.00003; ESP Exome Variant Server 0.00008.
gnomAD v4.1: 5 of 1,613,774 alleles (0.00031%); highest among the groups gnomAD compares: East Asian, 0.0022%; no homozygotes.

Submission:

Labcorp Genetics (formerly Invitae), Labcorp
Classification: Uncertain significance. Last evaluated: 2023-07-07. Review status: criteria provided, single submitter. Criteria: Invitae Variant Classification Sherloc (09022015). Collection method: clinical testing. Allele origin: germline.
Comment: In summary, the available evidence is currently insufficient to determine the role of this variant in disease. Therefore, it has been classified as a Variant of Uncertain Significance. Advanced modeling of protein sequence and biophysical properties (such as structural, functional, and spatial information, amino acid conservation, physicochemical variation, residue mobility, and thermodynamic stability) performed at Invitae indicates that this missense variant is not expected to disrupt GNA11 protein function. This sequence change replaces arginine, which is basic and polar, with cysteine, which is neutral and slightly polar, at codon 73 of the GNA11 protein (p.Arg73Cys). This variant is present in population databases (rs140301317, gnomAD 0.005%). ClinVar contains an entry for this variant (Variation ID: 1398731). This variant has not been reported in the literature in individuals affected with GNA11-related conditions.

NM_002067.5(GNA11):c.217C>T (p.Arg73Cys)

Gene: GNA11 (G protein subunit alpha 11; plus strand). Cytogenetic location: 19p13.3.
Variant type: single nucleotide variant.
Coding change: c.217C>T on transcript NM_002067.5 (MANE Select); coding-DNA position 217, C replaced by T.
Protein change: p.Arg73Cys; replaces arginine 73 with cysteine.
Molecular consequence: missense variant.
Genome position (GRCh38, 1-based): chr19:3,110,229, C>T. VCF-style: chr19-3110229-C-T. GRCh37 (hg19) VCF-style: chr19-3110227-C-T.
Other names: short protein forms R73C.
Identifiers: ClinVar variation 1398731 (VCV001398731.6), dbSNP rs140301317, ClinGen allele CA9074763.